The following is an entry in ClinVar:

NM_004991.4(MECOM):c.3116T>C (p.Ile1039Thr)

Gene: MECOM (MDS1 and EVI1 complex locus; minus strand). Cytogenetic location: 3q26.2.
Variant type: single nucleotide variant.
Coding change: c.3116T>C on transcript NM_004991.4 (MANE Select); coding-DNA position 3116, T replaced by C.
Protein change: p.Ile1039Thr; replaces isoleucine 1039 with threonine.
Molecular consequence: missense variant.
Genome position (GRCh38, 1-based): chr3:169,093,006, A>G on the plus strand (T>C on the coding strand, the complement: MECOM is on the minus strand). VCF-style: chr3-169093006-A-G. GRCh37 (hg19) VCF-style: chr3-168810794-A-G.
Other names: c.3116T>C (NM_004991.3); c.2747T>C, p.Ile916Thr (NM_001105077.4); c.2552T>C, p.Ile851Thr (NM_001105078.4, NM_001205194.2, NM_001366469.2 and 1 more transcripts); c.2528T>C, p.Ile843Thr (NM_001163999.2, NM_001366470.2); c.2525T>C, p.Ile842Thr (NM_001164000.2, NM_001366471.2, NM_001366472.2); c.3089T>C, p.Ile1030Thr (NM_001366466.2); c.2555T>C, p.Ile852Thr (NM_001366467.2, NM_001366468.2); c.2117T>C, p.Ile706Thr (NM_001366473.2); and 2 more; short protein forms I1030T, I706T, I852T, I518T, I842T, I843T, I916T, I1039T.
Identifiers: ClinVar variation 2887359 (VCV002887359.8), dbSNP rs374412171, ClinGen allele CA2695982.

ClinVar aggregate classification (germline): Conflicting classifications of pathogenicity. Review status: criteria provided, conflicting classifications (1 of 4 stars). 4 submissions from 4 submitters: Uncertain significance (2); Likely benign (1). 1 of the submissions does not count toward it. Last evaluated 2025-10-30.

Conditions:
MECOM-related disorder. Also called: MECOM-related condition.
Inborn genetic diseases. Identifiers: MedGen C0950123, MeSH D030342.

Allele frequency attached by ClinVar (database versions not stated): ESP Exome Variant Server 0.00008; ExAC 0.00006; gnomAD 0.00005; gnomAD exomes 0.00005; TOPMed 0.00005.
gnomAD v4.1: 81 of 1,613,684 alleles (0.005%); highest among the groups gnomAD compares: Admixed American, 0.043%; no homozygotes.

Submissions (4):

Ambry Genetics
Classification: Uncertain significance for Inborn genetic diseases. Last evaluated: 2025-10-30. Review status: criteria provided, single submitter. Criteria: Ambry Variant Classification Scheme 2023. Collection method: clinical testing. Allele origin: germline.

Labcorp Genetics (formerly Invitae), Labcorp
Classification: Uncertain significance. Last evaluated: 2025-03-18. Review status: criteria provided, single submitter. Criteria: Invitae Variant Classification Sherloc (09022015). Collection method: clinical testing. Allele origin: germline.
Comment: This sequence change replaces isoleucine, which is neutral and non-polar, with threonine, which is neutral and polar, at codon 851 of the MECOM protein (p.Ile851Thr). This variant is present in population databases (rs374412171, gnomAD 0.06%), and has an allele count higher than expected for a pathogenic variant. This variant has not been reported in the literature in individuals affected with MECOM-related conditions. ClinVar contains an entry for this variant (Variation ID: 2887359). An algorithm developed to predict the effect of missense changes on protein structure and function (PolyPhen-2) suggests that this variant is likely to be disruptive. In summary, the available evidence is currently insufficient to determine the role of this variant in disease. Therefore, it has been classified as a Variant of Uncertain Significance.

Laboratory of Genetics, Children's Clinical University Hospital Latvia
Classification: Likely benign. Last evaluated: 2025-02-16. Review status: criteria provided, single submitter. Criteria: ACMG Guidelines, 2015. Collection method: clinical testing. Allele origin: germline. Affected: yes.

PreventionGenetics, part of Exact Sciences
Classification: Likely benign for MECOM-related condition. Last evaluated: 2022-08-26. Review status: no assertion criteria provided. Collection method: clinical testing. Allele origin: germline. Not counted in ClinVar's aggregate classification.
Comment: This variant is classified as likely benign based on ACMG/AMP sequence variant interpretation guidelines (Richards et al. 2015 PMID: 25741868, with internal and published modifications).